The following is an entry in ClinVar:

ClinVar aggregate classification (germline): Uncertain significance (1 of 4 stars; one submission).

Conditions:
Diffuse cerebral and cerebellar atrophy - intractable seizures - progressive microcephaly syndrome. Also called: Microcephaly, progressive, with seizures and cerebral and cerebellar atrophy. Identifiers: Orphanet 404437, MedGen C4014239, MONDO:0014335, OMIM 615760.

Allele frequency attached by ClinVar (database versions not stated): TOPMed 0.00001; gnomAD 0.00002.
gnomAD v4.1: 3 of 1,614,080 alleles (0.00019%); highest among the groups gnomAD compares: African/African-American, 0.004%; no homozygotes.

Submission:

Labcorp Genetics (formerly Invitae), Labcorp
Classification: Uncertain significance for Diffuse cerebral and cerebellar atrophy - intractable seizures - progressive microcephaly syndrome. Last evaluated: 2022-03-24. Review status: criteria provided, single submitter. Criteria: Invitae Variant Classification Sherloc (09022015). Collection method: clinical testing. Allele origin: germline.
Comment: In summary, the available evidence is currently insufficient to determine the role of this variant in disease. Therefore, it has been classified as a Variant of Uncertain Significance. Algorithms developed to predict the effect of missense changes on protein structure and function are either unavailable or do not agree on the potential impact of this missense change (SIFT: "Deleterious"; PolyPhen-2: "Probably Damaging"; Align-GVGD: "Class C0"). This variant has not been reported in the literature in individuals affected with QARS-related conditions. This variant is not present in population databases (gnomAD no frequency). This sequence change replaces proline, which is neutral and non-polar, with threonine, which is neutral and polar, at codon 583 of the QARS protein (p.Pro583Thr).

NM_005051.3(QARS1):c.1747C>A (p.Pro583Thr)

Gene: QARS1 (glutaminyl-tRNA synthetase 1; minus strand). Cytogenetic location: 3p21.31.
Variant type: single nucleotide variant.
Coding change: c.1747C>A on transcript NM_005051.3 (MANE Select); coding-DNA position 1747, C replaced by A.
Protein change: p.Pro583Thr; replaces proline 583 with threonine.
Molecular consequence: missense variant. On other transcripts: non-coding transcript variant (1).
Genome position (GRCh38, 1-based): chr3:49,099,121, G>T on the plus strand (C>A on the coding strand, the complement: QARS1 is on the minus strand). VCF-style: chr3-49099121-G-T. GRCh37 (hg19) VCF-style: chr3-49136554-G-T.
Other names: c.1714C>A, p.Pro572Thr (NM_001272073.2); short protein forms P572T, P583T.
Identifiers: ClinVar variation 2049617 (VCV002049617.4), dbSNP rs889695838, ClinGen allele CA74472821.
Genomic context (GRCh38, chr3:49,099,121, plus strand): 5'-ACCCCCAGCTACACACACACATGTGACACACATGTTGAGGCAGGCCCACCTTGGCAGCAG[G>T]AAAGTTGGTGATGATGACCCGTAGTGACTCCAGCACAGCCATGGCTCGTGGGGCTGTGTC-3'
Protein context (NP_005042.1, residues 573-593): ESLRVIITNF[Pro583Thr]AAKSLDIQVP